The following is an entry in ClinVar:

NM_015272.5(RPGRIP1L):c.2726C>G (p.Thr909Ser)

Gene: RPGRIP1L (RPGRIP1 like; minus strand). Cytogenetic location: 16q12.2.
Variant type: single nucleotide variant.
Coding change: c.2726C>G on transcript NM_015272.5 (MANE Select); coding-DNA position 2726, C replaced by G.
Protein change: p.Thr909Ser; replaces threonine 909 with serine.
Molecular consequence: missense variant.
Genome position (GRCh38, 1-based): chr16:53,641,433, G>C on the plus strand (C>G on the coding strand, the complement: RPGRIP1L is on the minus strand). VCF-style: chr16-53641433-G-C. GRCh37 (hg19) VCF-style: chr16-53675345-G-C.
Other names: c.2726C>G, p.Thr909Ser (NM_001127897.4, NM_001308334.3, NM_001330538.2); short protein forms T909S.
Identifiers: ClinVar variation 2038519 (VCV002038519.2), dbSNP rs1966215814, ClinGen allele CA395927417.

ClinVar aggregate classification (germline): Uncertain significance. Review status: criteria provided, multiple submitters, no conflicts (2 of 4 stars). 2 submissions from 2 submitters: Uncertain significance (2). Last evaluated 2024-03-19.

Conditions:
Meckel syndrome, type 5 (MKS5). Identifiers: Orphanet 564, MedGen C1969052, MONDO:0012695, OMIM 611561.
Joubert syndrome 7 (JBTS7). Identifiers: Orphanet 220497, MedGen C1969053, MONDO:0012694, OMIM 611560.
COACH syndrome 3. Identifiers: MedGen C5436841, MONDO:0030862, OMIM 619113.
Joubert syndrome. Also called: CEREBELLOPARENCHYMAL DISORDER IV; JOUBERT-BOLTSHAUSER SYNDROME; Familial aplasia of the vermis. Identifiers: Orphanet 475, MedGen C5979921, MONDO:0018772.
Meckel-Gruber syndrome. Also called: DYSENCEPHALIA SPLANCHNOCYSTICA; GRUBER SYNDROME; Dysencephalia splachnocystica. Identifiers: Orphanet 564, MedGen C0265215, MONDO:0018921.

Allele frequency attached by ClinVar (database versions not stated): gnomAD exomes below 0.00001; TOPMed 0.00001.
gnomAD v4.1: 1 of 1,613,908 alleles (0.000062%); highest among the groups gnomAD compares: Non-Finnish European, 0.000085%; no homozygotes.

Submissions (2):

Fulgent Genetics
Classification: Uncertain significance for Joubert syndrome 7; Meckel syndrome, type 5; COACH syndrome 3. Last evaluated: 2024-03-19. Review status: criteria provided, single submitter. Criteria: ACMG Guidelines, 2015. Collection method: clinical testing. Allele origin: germline.

Labcorp Genetics (formerly Invitae), Labcorp
Classification: Uncertain significance for Joubert syndrome; Meckel-Gruber syndrome. Last evaluated: 2022-08-16. Review status: criteria provided, single submitter. Criteria: Invitae Variant Classification Sherloc (09022015). Collection method: clinical testing. Allele origin: germline.
Comment: This sequence change replaces threonine, which is neutral and polar, with serine, which is neutral and polar, at codon 909 of the RPGRIP1L protein (p.Thr909Ser). This variant is not present in population databases (gnomAD no frequency). This variant has not been reported in the literature in individuals affected with RPGRIP1L-related conditions. Algorithms developed to predict the effect of missense changes on protein structure and function output the following: SIFT: "Tolerated"; PolyPhen-2: "Benign"; Align-GVGD: "Class C0". The serine amino acid residue is found in multiple mammalian species, which suggests that this missense change does not adversely affect protein function. Algorithms developed to predict the effect of sequence changes on RNA splicing suggest that this variant may create or strengthen a splice site. In summary, the available evidence is currently insufficient to determine the role of this variant in disease. Therefore, it has been classified as a Variant of Uncertain Significance.